The following is an entry in ClinVar:

NM_001127222.2(CACNA1A):c.6189+9G>T

Gene: CACNA1A (calcium voltage-gated channel subunit alpha1 A; minus strand). Cytogenetic location: 19p13.13.
Variant type: single nucleotide variant.
Coding change: c.6189+9G>T on transcript NM_001127222.2 (MANE Select); 9 bases into the intron after coding-DNA position 6189, G replaced by T.
Molecular consequence: intron variant.
Genome position (GRCh38, 1-based): chr19:13,212,375, C>A on the plus strand (G>T on the coding strand, the complement: CACNA1A is on the minus strand). VCF-style: chr19-13212375-C-A. GRCh37 (hg19) VCF-style: chr19-13323189-C-A.
Other names: p.?; c.6192+9G>T (NM_001127221.2); c.6198+9G>T (NM_001174080.2); c.6207+9G>T (NM_000068.4, NM_023035.3).
Identifiers: ClinVar variation 760056 (VCV000760056.10), dbSNP rs568861195, ClinGen allele CA9239454.

ClinVar aggregate classification (germline): Likely benign. Review status: criteria provided, multiple submitters, no conflicts (2 of 4 stars). 2 submissions from 2 submitters: Likely benign (2). Last evaluated 2025-12-09.

Conditions:
Episodic ataxia type 2 (EA2). Also called: ATAXIA, EPISODIC, WITH NYSTAGMUS; ATAXIA, FAMILIAL PAROXYSMAL; CEREBELLAR ATAXIA, PAROXYSMAL, ACETAZOLAMIDE-RESPONSIVE; CEREBELLOPATHY, HEREDITARY PAROXYSMAL; EPISODIC ATAXIA, NYSTAGMUS-ASSOCIATED; ACETAZOLAMIDE-RESPONSIVE HEREDITARY PAROXYSMAL CEREBELLAR ATAXIA. Identifiers: Orphanet 97, MedGen C1720416, MONDO:0007163, OMIM 108500.
Developmental and epileptic encephalopathy, 42 (DEE42A). Also called: Epileptic encephalopathy, early infantile, 42; DEVELOPMENTAL AND EPILEPTIC ENCEPHALOPATHY 42A; EPILEPTIC ENCEPHALOPATHY, EARLY INFANTILE, 42A. Identifiers: MedGen C4310716, MONDO:0014917, OMIM 617106.

Allele frequency attached by ClinVar (database versions not stated): ExAC 0.00001; gnomAD exomes 0.00001; gnomAD 0.00004 and 0.00006; TOPMed 0.00012; 1000 Genomes Project 0.00020; 1000 Genomes Project 30x 0.00047.
gnomAD v4.1: 15 of 1,613,576 alleles (0.00093%); highest among the groups gnomAD compares: African/African-American, 0.011%; no homozygotes.

Submissions (2):

Labcorp Genetics (formerly Invitae), Labcorp
Classification: Likely benign for Developmental and epileptic encephalopathy, 42; Episodic ataxia type 2. Last evaluated: 2025-12-09. Review status: criteria provided, single submitter. Criteria: Invitae Variant Classification Sherloc (09022015). Collection method: clinical testing. Allele origin: germline.

Mayo Clinic Laboratories, Mayo Clinic
Classification: Likely benign. Last evaluated: 2025-10-19. Review status: criteria provided, single submitter. Criteria: ACMG Guidelines, 2015. Collection method: clinical testing. Allele origin: germline. Observed: 1 variant allele.
Comment: BS2, BP4, BP7